The following is an entry in ClinVar:

NM_024496.4(IRF2BPL):c.2340C>G (p.Ile780Met)

Gene: IRF2BPL (interferon regulatory factor 2 binding protein like; minus strand). Cytogenetic location: 14q24.3.
Variant type: single nucleotide variant.
Coding change: c.2340C>G on transcript NM_024496.4 (MANE Select); coding-DNA position 2340, C replaced by G.
Protein change: p.Ile780Met; replaces isoleucine 780 with methionine.
Molecular consequence: missense variant.
Genome position (GRCh38, 1-based): chr14:77,025,453, G>C on the plus strand (C>G on the coding strand, the complement: IRF2BPL is on the minus strand). VCF-style: chr14-77025453-G-C. GRCh37 (hg19) VCF-style: chr14-77491796-G-C.
Other names: short protein forms I780M.
Identifiers: ClinVar variation 4529742 (VCV004529742.1).

ClinVar aggregate classification (germline): Uncertain significance (1 of 4 stars; one submission).

Submission:

GeneDx
Classification: Uncertain significance. Last evaluated: 2025-05-14. Review status: criteria provided, single submitter. Criteria: GeneDx Variant Classification Process June 2021. Collection method: clinical testing. Allele origin: germline. Affected: yes.
Comment: Not observed at significant frequency in large population cohorts (gnomAD); In silico analysis supports that this missense variant has a deleterious effect on protein structure/function; Has not been previously published as pathogenic or benign to our knowledge